The following is an entry in ClinVar:

ClinVar aggregate classification (germline): Pathogenic (1 of 4 stars; one submission).

Conditions:
Early-infantile DEE. Also called: Early infantile epileptic encephalopathy with suppression bursts; Early infantile epileptic encephalopathy; Ohtahara syndrome. Identifiers: Orphanet 1934, MedGen C0393706, MONDO:0800491.

Submission:

Labcorp Genetics (formerly Invitae), Labcorp
Classification: Pathogenic for Early-infantile DEE. Last evaluated: 2022-06-15. Review status: criteria provided, single submitter. Criteria: Invitae Variant Classification Sherloc (09022015). Collection method: clinical testing. Allele origin: germline.
Comment: This sequence change replaces leucine, which is neutral and non-polar, with proline, which is neutral and non-polar, at codon 895 of the SCN1A protein (p.Leu895Pro). This variant is not present in population databases (gnomAD no frequency). This missense change has been observed in individual(s) with clinical features of SCN1A-related conditions (Invitae). In at least one individual the variant was observed to be de novo. Advanced modeling of protein sequence and biophysical properties (such as structural, functional, and spatial information, amino acid conservation, physicochemical variation, residue mobility, and thermodynamic stability) performed at Invitae indicates that this missense variant is expected to disrupt SCN1A protein function. For these reasons, this variant has been classified as Pathogenic.

NM_001165963.4(SCN1A):c.2684T>C (p.Leu895Pro)

Gene: SCN1A (sodium voltage-gated channel alpha subunit 1; minus strand). Cytogenetic location: 2q24.3.
Variant type: single nucleotide variant.
Coding change: c.2684T>C on transcript NM_001165963.4 (MANE Select); coding-DNA position 2684, T replaced by C.
Protein change: p.Leu895Pro; replaces leucine 895 with proline.
Molecular consequence: missense variant. On other transcripts: non-coding transcript variant (1).
Genome position (GRCh38, 1-based): chr2:166,038,038, A>G on the plus strand (T>C on the coding strand, the complement: SCN1A is on the minus strand). VCF-style: chr2-166038038-A-G. GRCh37 (hg19) VCF-style: chr2-166894548-A-G.
Other names: c.2600T>C, p.Leu867Pro (NM_001165964.3, NM_001353957.2, NM_001353958.2); c.2684T>C, p.Leu895Pro (NM_001202435.3, NM_001353948.2); c.2651T>C, p.Leu884Pro (NM_001353949.2, NM_001353950.2, NM_001353951.2 and 2 more transcripts); c.2648T>C, p.Leu883Pro (NM_001353954.2, NM_001353955.2); c.2597T>C, p.Leu866Pro (NM_001353960.2); c.242T>C, p.Leu81Pro (NM_001353961.2); short protein forms L866P, L884P, L895P, L81P, L867P, L883P.
Identifiers: ClinVar variation 1367610 (VCV001367610.9), dbSNP rs2105807979, ClinGen allele CA349061600.
Genomic context (GRCh38, chr2:166,038,038, plus strand): 5'-CTTTTACCAAAGAGCTGCATGCCGACCACGGCAAAAATGAAGACGATGATGGCCAAGACG[A>G]GGGTTAAATTTCCCAGAGCCCCCACGGAATTGCCGATGATCTTTATTAGCATATTTAACG-3'
Protein context (NP_001159435.1, residues 885-905): NSVGALGNLT[Leu895Pro]VLAIIVFIFA